The following is an entry in ClinVar:

ClinVar aggregate classification (germline): Uncertain significance. Review status: criteria provided, multiple submitters, no conflicts (2 of 4 stars). 2 submissions from 2 submitters: Uncertain significance (2). Last evaluated 2023-05-25.

Allele frequency attached by ClinVar (database versions not stated): TOPMed 0.00001; gnomAD exomes 0.00006.
gnomAD v4.1: 86 of 1,613,292 alleles (0.0053%); highest among the groups gnomAD compares: Non-Finnish European, 0.0073%; no homozygotes.

Submissions (2):

Labcorp Genetics (formerly Invitae), Labcorp
Classification: Uncertain significance. Last evaluated: 2023-05-25. Review status: criteria provided, single submitter. Criteria: Invitae Variant Classification Sherloc (09022015). Collection method: clinical testing. Allele origin: germline.
Comment: This sequence change replaces serine, which is neutral and polar, with leucine, which is neutral and non-polar, at codon 92 of the CD164 protein (p.Ser92Leu). This variant is not present in population databases (gnomAD no frequency). This variant has not been reported in the literature in individuals affected with CD164-related conditions. ClinVar contains an entry for this variant (Variation ID: 2226373). An algorithm developed to predict the effect of missense changes on protein structure and function (PolyPhen-2) suggests that this variant is likely to be disruptive. In summary, the available evidence is currently insufficient to determine the role of this variant in disease. Therefore, it has been classified as a Variant of Uncertain Significance.

Ambry Genetics
Classification: Uncertain significance. Last evaluated: 2022-09-27. Review status: criteria provided, single submitter. Criteria: Ambry Variant Classification Scheme 2023. Collection method: clinical testing. Allele origin: germline.

NM_006016.6(CD164):c.275C>T (p.Ser92Leu)

Gene: CD164 (CD164 molecule; minus strand). Cytogenetic location: 6q21.
Variant type: single nucleotide variant.
Coding change: c.275C>T on transcript NM_006016.6 (MANE Select); coding-DNA position 275, C replaced by T.
Protein change: p.Ser92Leu; replaces serine 92 with leucine.
Molecular consequence: missense variant.
Genome position (GRCh38, 1-based): chr6:109,377,956, G>A on the plus strand (C>T on the coding strand, the complement: CD164 is on the minus strand). VCF-style: chr6-109377956-G-A. GRCh37 (hg19) VCF-style: chr6-109699159-G-A.
Other names: c.275C>T, p.Ser92Leu (NM_001142401.3, NM_001142402.3, NM_001142403.3 and 1 more transcripts); c.173C>T, p.Ser58Leu (NM_001346500.2); short protein forms S58L, S92L.
Identifiers: ClinVar variation 2226373 (VCV002226373.5), dbSNP rs1048861219, ClinGen allele CA145099114.